The following is an entry in ClinVar:

ClinVar aggregate classification (germline): Likely benign. Review status: criteria provided, single submitter (1 of 4 stars). 2 submissions from 2 submitters: Likely benign (1). 1 of the submissions does not count toward it. Last evaluated 2023-02-02.

Conditions:
PCNT-related disorder. Also called: PCNT-related condition.

Allele frequency attached by ClinVar (database versions not stated): gnomAD exomes below 0.00001; TOPMed below 0.00001; gnomAD 0.00001.
gnomAD v4.1: 5 of 1,611,476 alleles (0.00031%); highest among the groups gnomAD compares: African/African-American, 0.0053%; no homozygotes.

Submissions (2):

Labcorp Genetics (formerly Invitae), Labcorp
Classification: Likely benign. Last evaluated: 2023-02-02. Review status: criteria provided, single submitter. Criteria: Invitae Variant Classification Sherloc (09022015). Collection method: clinical testing. Allele origin: germline.

PreventionGenetics, part of Exact Sciences
Classification: Likely benign for PCNT-related condition. Last evaluated: 2021-08-10. Review status: no assertion criteria provided. Collection method: clinical testing. Allele origin: germline. Not counted in ClinVar's aggregate classification.
Comment: This variant is classified as likely benign based on ACMG/AMP sequence variant interpretation guidelines (Richards et al. 2015 PMID: 25741868, with internal and published modifications).

NM_006031.6(PCNT):c.7617G>A (p.Leu2539=)

Gene: PCNT (pericentrin; plus strand). Cytogenetic location: 21q22.3.
Variant type: single nucleotide variant.
Coding change: c.7617G>A on transcript NM_006031.6 (MANE Select); coding-DNA position 7617, G replaced by A.
Protein change: p.Leu2539=; no amino-acid change (leucine 2539 retained).
Molecular consequence: synonymous variant.
Genome position (GRCh38, 1-based): chr21:46,428,517, G>A. VCF-style: chr21-46428517-G-A. GRCh37 (hg19) VCF-style: chr21-47848431-G-A.
Other names: c.7617G>A (NM_006031.5); c.7263G>A, p.Leu2421= (NM_001315529.2).
Identifiers: ClinVar variation 2893025 (VCV002893025.4), dbSNP rs1307230232, ClinGen allele CA512744655.